The following is an entry in ClinVar:

ClinVar aggregate classification (germline): Uncertain significance (1 of 4 stars; one submission).

gnomAD v4.1: 3 of 1,614,184 alleles (0.00019%); highest among the groups gnomAD compares: Non-Finnish European, 0.00025%; no homozygotes.

Submission:

Labcorp Genetics (formerly Invitae), Labcorp
Classification: Uncertain significance. Last evaluated: 2023-12-11. Review status: criteria provided, single submitter. Criteria: Invitae Variant Classification Sherloc (09022015). Collection method: clinical testing. Allele origin: germline.
Comment: This sequence change replaces aspartic acid, which is acidic and polar, with tyrosine, which is neutral and polar, at codon 764 of the GSN protein (p.Asp764Tyr). This variant is not present in population databases (gnomAD no frequency). This variant has not been reported in the literature in individuals affected with GSN-related conditions. Advanced modeling of protein sequence and biophysical properties (such as structural, functional, and spatial information, amino acid conservation, physicochemical variation, residue mobility, and thermodynamic stability) performed at Invitae indicates that this missense variant is expected to disrupt GSN protein function with a positive predictive value of 80%. Algorithms developed to predict the effect of sequence changes on RNA splicing suggest that this variant may create or strengthen a splice site. In summary, the available evidence is currently insufficient to determine the role of this variant in disease. Therefore, it has been classified as a Variant of Uncertain Significance.

NM_198252.3(GSN):c.2137G>T (p.Asp713Tyr)

Gene: GSN (gelsolin; plus strand). Cytogenetic location: 9q33.2.
Variant type: single nucleotide variant.
Coding change: c.2137G>T on transcript NM_198252.3 (MANE Select); coding-DNA position 2137, G replaced by T.
Protein change: p.Asp713Tyr; replaces aspartic acid 713 with tyrosine.
Molecular consequence: missense variant.
Genome position (GRCh38, 1-based): chr9:121,332,544, G>T. VCF-style: chr9-121332544-G-T. GRCh37 (hg19) VCF-style: chr9-124094822-G-T.
Other names: c.2170G>T, p.Asp724Tyr (NM_001353066.2, NM_001353067.2, NM_001353068.2 and 13 more transcripts); c.2290G>T, p.Asp764Tyr (NM_000177.5); c.2137G>T, p.Asp713Tyr (NM_001127662.2, NM_001127664.2, NM_001127665.2 and 10 more transcripts); c.2245G>T, p.Asp749Tyr (NM_001127663.2); c.2188G>T, p.Asp730Tyr (NM_001258029.2); c.2161G>T, p.Asp721Tyr (NM_001258030.2); c.2209G>T, p.Asp737Tyr (NM_001353076.2); c.1483G>T, p.Asp495Tyr (NM_001353078.2); short protein forms D713Y, D764Y, D724Y, D730Y, D737Y, D495Y, D749Y, D721Y.
Identifiers: ClinVar variation 2777522 (VCV002777522.3), dbSNP rs761467289, ClinGen allele CA374760565.